The following is an entry in ClinVar:

NM_000553.6(WRN):c.839G>T (p.Arg280Met)

Gene: WRN (WRN RecQ like helicase; plus strand). Cytogenetic location: 8p12.
Variant type: single nucleotide variant.
Coding change: c.839G>T on transcript NM_000553.6 (MANE Select); coding-DNA position 839, G replaced by T.
Protein change: p.Arg280Met; replaces arginine 280 with methionine.
Molecular consequence: missense variant.
Genome position (GRCh38, 1-based): chr8:31,076,287, G>T. VCF-style: chr8-31076287-G-T. GRCh37 (hg19) VCF-style: chr8-30933803-G-T.
Other names: short protein forms R280M.
Identifiers: ClinVar variation 850918 (VCV000850918.5), dbSNP rs761786255, ClinGen allele CA370918824.

ClinVar aggregate classification (germline): Uncertain significance (1 of 4 stars; one submission).

Conditions:
Werner syndrome (WRN). Identifiers: Orphanet 902, MedGen C0043119, MONDO:0010196, OMIM 277700.

Submission:

Labcorp Genetics (formerly Invitae), Labcorp
Classification: Uncertain significance for Werner syndrome. Last evaluated: 2019-02-25. Review status: criteria provided, single submitter. Criteria: Invitae Variant Classification Sherloc (09022015). Collection method: clinical testing. Allele origin: germline.
Comment: This sequence change replaces arginine with methionine at codon 280 of the WRN protein (p.Arg280Met). The arginine residue is moderately conserved and there is a moderate physicochemical difference between arginine and methionine. This variant also falls at the last nucleotide of exon 8 of the WRN coding sequence, which is part of the consensus splice site for this exon. This variant has not been reported in the literature in individuals with WRN-related conditions. This variant is not present in population databases (ExAC no frequency). In summary, the available evidence is currently insufficient to determine the role of this variant in disease. Therefore, it has been classified as a Variant of Uncertain Significance. Nucleotide substitutions within the consensus splice site are a relatively common cause of aberrant splicing (PMID: 17576681, 9536098). Algorithms developed to predict the effect of sequence changes on RNA splicing suggest that this variant may disrupt the consensus splice site, but this prediction has not been confirmed by published transcriptional studies. Algorithms developed to predict the effect of missense changes on protein structure and function are either unavailable or do not agree on the potential impact of this missense change (SIFT: "Deleterious"; PolyPhen-2: "Probably Damaging"; Align-GVGD: "Class C0").

Literature cited by the submitters: PubMed 17576681; PubMed 9536098.